The following is an entry in ClinVar:

ClinVar aggregate classification (germline): Uncertain significance. Review status: criteria provided, multiple submitters, no conflicts (2 of 4 stars). 2 submissions from 2 submitters: Uncertain significance (2). Last evaluated 2025-02-12.

Conditions:
Hereditary cancer-predisposing syndrome. Also called: Neoplastic Syndromes, Hereditary; Tumor predisposition; Hereditary Cancer Syndrome; Hereditary neoplastic syndrome. Identifiers: Orphanet 140162, MedGen C0027672, MeSH D009386, MONDO:0015356.
Bloom syndrome (BLM). Also called: Bloom-Torre-Machacek syndrome. Identifiers: Orphanet 125, MedGen C0005859, MONDO:0008876, OMIM 210900.

Submissions (2):

Ambry Genetics
Classification: Uncertain significance for Hereditary cancer-predisposing syndrome. Last evaluated: 2025-02-12. Review status: criteria provided, single submitter. Criteria: Ambry Variant Classification Scheme 2023. Collection method: clinical testing. Allele origin: germline.
Comment: The p.I1299V variant (also known as c.3895A>G), located in coding exon 20 of the BLM gene, results from an A to G substitution at nucleotide position 3895. The isoleucine at codon 1299 is replaced by valine, an amino acid with highly similar properties. This amino acid position is conserved. In addition, this alteration is predicted to be tolerated by in silico analysis. Based on the available evidence, the clinical significance of this variant remains unclear.

Labcorp Genetics (formerly Invitae), Labcorp
Classification: Uncertain significance for Bloom syndrome. Last evaluated: 2024-10-23. Review status: criteria provided, single submitter. Criteria: Invitae Variant Classification Sherloc (09022015). Collection method: clinical testing. Allele origin: germline.
Comment: This sequence change replaces isoleucine, which is neutral and non-polar, with valine, which is neutral and non-polar, at codon 1299 of the BLM protein (p.Ile1299Val). This variant is not present in population databases (gnomAD no frequency). This variant has not been reported in the literature in individuals affected with BLM-related conditions. Invitae Evidence Modeling of protein sequence and biophysical properties (such as structural, functional, and spatial information, amino acid conservation, physicochemical variation, residue mobility, and thermodynamic stability) indicates that this missense variant is not expected to disrupt BLM protein function with a negative predictive value of 80%. In summary, the available evidence is currently insufficient to determine the role of this variant in disease. Therefore, it has been classified as a Variant of Uncertain Significance.

NM_000057.4(BLM):c.3895A>G (p.Ile1299Val)

Gene: BLM (BLM RecQ like helicase; plus strand). Cytogenetic location: 15q26.1.
Variant type: single nucleotide variant.
Coding change: c.3895A>G on transcript NM_000057.4 (MANE Select); coding-DNA position 3895, A replaced by G.
Protein change: p.Ile1299Val; replaces isoleucine 1299 with valine.
Molecular consequence: missense variant.
Genome position (GRCh38, 1-based): chr15:90,811,225, A>G. VCF-style: chr15-90811225-A-G. GRCh37 (hg19) VCF-style: chr15-91354455-A-G.
Other names: c.3895A>G, p.Ile1299Val (NM_001287246.2); c.3502A>G, p.Ile1168Val (NM_001287247.2); c.2770A>G, p.Ile924Val (NM_001287248.2); short protein forms I1299V, I924V, I1168V.
Identifiers: ClinVar variation 3679354 (VCV003679354.3).